The following is an entry in ClinVar:

ClinVar aggregate classification (germline): Uncertain significance (1 of 4 stars; one submission).

Conditions:
Inborn genetic diseases. Identifiers: MedGen C0950123, MeSH D030342.

gnomAD v4.1: 2 of 1,614,178 alleles (0.00012%); highest among the groups gnomAD compares: Non-Finnish European, 0.00017%; no homozygotes.

Submission:

Ambry Genetics
Classification: Uncertain significance for Inborn genetic diseases. Last evaluated: 2025-01-20. Review status: criteria provided, single submitter. Criteria: Ambry Variant Classification Scheme 2023. Collection method: clinical testing. Allele origin: germline.
Comment: The p.I1626F variant (also known as c.4876A>T), located in coding exon 32 of the ANKRD26 gene, results from an A to T substitution at nucleotide position 4876. The isoleucine at codon 1626 is replaced by phenylalanine, an amino acid with highly similar properties. This amino acid position is conserved. In addition, this alteration is predicted to be tolerated by in silico analysis. Based on the available evidence, the clinical significance of this variant remains unclear.

NM_014915.3(ANKRD26):c.4876A>T (p.Ile1626Phe)

Gene: ANKRD26 (ankyrin repeat domain containing 26; minus strand). Cytogenetic location: 10p12.1.
Variant type: single nucleotide variant.
Coding change: c.4876A>T on transcript NM_014915.3 (MANE Select); coding-DNA position 4876, A replaced by T.
Protein change: p.Ile1626Phe; replaces isoleucine 1626 with phenylalanine.
Molecular consequence: missense variant.
Genome position (GRCh38, 1-based): chr10:27,012,959, T>A on the plus strand (A>T on the coding strand, the complement: ANKRD26 is on the minus strand). VCF-style: chr10-27012959-T-A. GRCh37 (hg19) VCF-style: chr10-27301888-T-A.
Other names: c.4873A>T, p.Ile1625Phe (NM_001256053.2); short protein forms I1626F, I1625F.
Identifiers: ClinVar variation 3870614 (VCV003870614.1).